The following is an entry in ClinVar:

NM_003722.5(TP63):c.733C>T (p.Pro245Ser)

Gene: TP63 (tumor protein p63; plus strand). Cytogenetic location: 3q28.
Variant type: single nucleotide variant.
Coding change: c.733C>T on transcript NM_003722.5 (MANE Select); coding-DNA position 733, C replaced by T.
Protein change: p.Pro245Ser; replaces proline 245 with serine.
Molecular consequence: missense variant.
Genome position (GRCh38, 1-based): chr3:189,864,385, C>T. VCF-style: chr3-189864385-C-T. GRCh37 (hg19) VCF-style: chr3-189582174-C-T.
Other names: c.733C>T, p.Pro245Ser (NM_001114978.2, NM_001114979.2, NM_001329144.2 and 1 more transcripts); c.451C>T, p.Pro151Ser (NM_001114980.2, NM_001114981.2, NM_001114982.2 and 2 more transcripts); c.196C>T, p.Pro66Ser (NM_001329146.2, NM_001329150.2); c.727C>T, p.Pro243Ser (NM_001329964.2); short protein forms P151S, P243S, P245S, P66S.
Identifiers: ClinVar variation 4796625 (VCV004796625.1).

ClinVar aggregate classification (germline): Likely pathogenic (1 of 4 stars; one submission).

Conditions:
Ankyloblepharon-ectodermal defects-cleft lip/palate syndrome. Also called: Hay-Wells syndrome of ectodermal dysplasia; AEC SYNDROME; HAY-WELLS SYNDROME; Ankyloblepharon-ectodermal defects, cleft lip/palate; Ankyloblepharon-Ectodermal Defects-Cleft Lip/Palate Syndrome (AEC Syndrome). Identifiers: Orphanet 1071, MedGen C0406709, MONDO:0007124, OMIM 106260.
Rapp-Hodgkin syndrome (RHS). Also called: ECTODERMAL DYSPLASIA, ANHIDROTIC, WITH CLEFT LIP/PALATE; Isolated Cleft Lip/Cleft Palate (Orofacial Cleft 8); Rapp-Hodgkin ectodermal dysplasia syndrome. Identifiers: MedGen C1785148, MONDO:0007508, OMIM 129400.
Orofacial cleft 8. Also called: Cleft lip with or without cleft palate, nonsyndromic, 8. Identifiers: MedGen C1851878, MONDO:0029145, OMIM 618149.
Ectrodactyly, ectodermal dysplasia, and cleft lip-palate syndrome 3. Also called: Ectrodactyly, Ectodermal Dysplasia, Clefting Syndrome; EEC SYNDROME 3; Ectrodactyly, Ectodermal Dysplasia, Clefting Syndrome Type 3 (EEC3); Ectrodactyly, Ectodermal Dysplasia, Cleft Lip/Palate Syndrome 3 (EEC3). Identifiers: Orphanet 1896, MedGen C1858562, MONDO:0011428, OMIM 604292.
ADULT syndrome. Also called: ACRO-DERMATO-UNGUAL-LACRIMAL-TOOTH SYNDROME; Acro-Dermo-Ungual-Lacrimal-Tooth Syndrome (ADULT Syndrome); Acro-dermato-ungual-lacrimal-tooth (adult) syndrome. Identifiers: Orphanet 978, MedGen C1863204, MONDO:0007072, OMIM 103285.
Premature ovarian failure 21 (POF21). Identifiers: MedGen C5830399, MONDO:0957216, OMIM 620311.
Split hand-foot malformation 4. Also called: Split-Hand/Foot Malformation Type 4 (SHFM4 syndrome); Split-Hand/Foot Malformation Type 4 (SHFM4). Identifiers: Orphanet 2440, MedGen C1854442, MONDO:0011535, OMIM 605289.
Limb-mammary syndrome (LMS). Also called: Mammary hypoplasia, ectrodactyly, and other hand/foot anomalies. Identifiers: Orphanet 69085, MedGen C1863753, MONDO:0011334, OMIM 603543.

Submission:

Juno Genomics, Hangzhou Juno Genomics, Inc
Classification: Likely pathogenic for Split hand-foot malformation 4; Premature ovarian failure 21; ADULT syndrome; Ectrodactyly, ectodermal dysplasia, and cleft lip-palate syndrome 3; Ankyloblepharon-ectodermal defects-cleft lip/palate syndrome; Limb-mammary syndrome; Orofacial cleft 8; Rapp-Hodgkin syndrome. Review status: criteria provided, single submitter. Criteria: ACMG Guidelines, 2015. Collection method: clinical testing. Allele origin: germline. Affected: yes.
Comment: Absent from controls (or at extremely low frequency if recessive) in Genome Aggregation Database, Exome Sequencing Project, 1000 Genomes Project, or Exome Aggregation Consortium.;Multiple lines of computational evidence support a deleterious effect on the gene or gene product (conservation, evolutionary, splicing impact, etc).;Missense variant in a gene that has a low rate of benign missense variation and where missense variants are a common mechanism of disease.;Located in a mutational hot spot and/or critical and well-established functional domain (e.g. active site of an enzyme) without benign variation.;Patient's phenotype or family history is highly specific for a disease with a single genetic etiology.